The following is an entry in ClinVar:

NM_000038.6(APC):c.4585C>T (p.Gln1529Ter)

Gene: APC (APC regulator of Wnt signaling pathway; plus strand). Cytogenetic location: 5q22.2.
Variant type: single nucleotide variant.
Coding change: c.4585C>T on transcript NM_000038.6 (MANE Select); coding-DNA position 4585, C replaced by T.
Protein change: p.Gln1529Ter; replaces glutamine 1529 with a stop codon.
Molecular consequence: nonsense.
Genome position (GRCh38, 1-based): chr5:112,840,179, C>T. VCF-style: chr5-112840179-C-T. GRCh37 (hg19) VCF-style: chr5-112175876-C-T.
Other names: c.4510C>T, p.Gln1504Ter (NM_001354898.2); c.4501C>T, p.Gln1501Ter (NM_001354899.2); c.4585C>T, p.Gln1529Ter (NM_001127510.3, NM_001354895.2); c.4531C>T, p.Gln1511Ter (NM_001127511.3); c.4639C>T, p.Gln1547Ter (NM_001354896.2); c.4615C>T, p.Gln1539Ter (NM_001354897.2); c.4462C>T, p.Gln1488Ter (NM_001354900.2); c.4408C>T, p.Gln1470Ter (NM_001354901.2); and 5 more; short protein forms Q1511*, Q1529*, Q1403*, Q1428*, Q1438*, Q1470*, Q1501*, Q1246*.
Identifiers: ClinVar variation 449335 (VCV000449335.4), dbSNP rs1554085992, ClinGen allele CA16031371.
Genomic context (GRCh38, chr5:112,840,179, plus strand): 5'-CTGAGCCTCGATGAGCCATTTATACAGAAAGATGTGGAATTAAGAATAATGCCTCCAGTT[C>T]AGGAAAATGACAATGGGAATGAAACAGAATCAGAGCAGCCTAAAGAATCAAATGAAAACC-3'

ClinVar aggregate classification (germline): Pathogenic. Review status: criteria provided, multiple submitters, no conflicts (2 of 4 stars). 2 submissions from 2 submitters: Pathogenic (2). Last evaluated 2023-05-11.

Conditions:
Familial adenomatous polyposis 1 (FAP1). Also called: FAMILIAL ADENOMATOUS POLYPOSIS 1, ATTENUATED; POLYPOSIS, ADENOMATOUS INTESTINAL. Identifiers: MedGen C2713442, MONDO:0021056, OMIM 175100. Disease mechanism: loss of function.

Submissions (2):

Myriad Genetics, Inc.
Classification: Pathogenic for Familial adenomatous polyposis 1. Last evaluated: 2023-05-11. Review status: criteria provided, single submitter. Criteria: Myriad Autosomal Dominant, Autosomal Recessive and X-Linked Classification Criteria (2023). Collection method: clinical testing. Allele origin: unknown.
Comment: This variant is considered pathogenic. This variant creates a termination codon and is predicted to result in premature protein truncation.

GeneDx
Classification: Pathogenic. Last evaluated: 2017-08-14. Review status: criteria provided, single submitter. Criteria: GeneDx Variant Classification (06012015). Collection method: clinical testing. Allele origin: germline. Affected: yes.
Comment: This variant is denoted APC c.4585C>T at the cDNA level and p.Gln1529Ter (Q1529X) at the proteinlevel. The substitution creates a nonsense variant, which changes a Glutamine to a premature stop codon(CAG>TAG), and is predicted to cause loss of normal protein function through protein truncation. This variant results inthe loss of the last 1,315 residues of APC, causing loss or disruption of several functional domains (Azzopardi 2008).This variant has been reported in individuals with Familial Adenomatous Polyposis (van der Lujit 1994, Han 2011) andis considered pathogenic